The following is an entry in ClinVar:

ClinVar aggregate classification (germline): Conflicting classifications of pathogenicity. Review status: criteria provided, conflicting classifications (1 of 4 stars). 7 submissions from 7 submitters: Uncertain significance (5); Likely benign (1). 1 of the submissions does not count toward it. Last evaluated 2023-09-29.

Conditions:
Cardiovascular phenotype. Identifiers: MedGen CN230736.
Alstrom syndrome (ALMS). Identifiers: Orphanet 64, MedGen C0268425, MONDO:0008763, OMIM 203800.

Allele frequency attached by ClinVar (database versions not stated): gnomAD exomes 0.00003 and 0.00006; TOPMed 0.00003; gnomAD 0.00004; ExAC 0.00005; 1000 Genomes Project 0.00020; 1000 Genomes Project 30x 0.00031.
gnomAD v4.1: 98 of 1,614,192 alleles (0.0061%); highest among the groups gnomAD compares: East Asian, 0.049%; no homozygotes.

Submissions (7):

Women's Health and Genetics/Laboratory Corporation of America, LabCorp
Classification: Uncertain significance. Last evaluated: 2023-09-29. Review status: criteria provided, single submitter. Criteria: LabCorp Variant Classification Summary - May 2015. Collection method: clinical testing. Allele origin: germline.
Comment: Variant summary: ALMS1 c.12034G>A (p.Gly4012Ser) results in a non-conservative amino acid change in the encoded protein sequence. Four of five in-silico tools predict a benign effect of the variant on protein function. The variant allele was found at a frequency of 3.2e-05 in 250092 control chromosomes (gnomAD). The available data on variant occurrences in the general population are insufficient to allow any conclusion about variant significance. c.12034G>A has been reported in the literature in an individual affected with congenital diaphragmatic hernia (example: Qiao_2021). This report does not provide unequivocal conclusions about association of the variant with Alstrom Syndrome. To our knowledge, no experimental evidence demonstrating an impact on protein function has been reported. The following publication has been ascertained in the context of this evaluation (PMID: 34547244). Six submitters have cited clinical-significance assessments for this variant to ClinVar after 2014 and classified the variant as VUS (n=5) and likely benign (n=1). Based on the evidence outlined above, the variant was classified as uncertain significance.

Ambry Genetics
Classification: Likely benign for Cardiovascular phenotype. Last evaluated: 2022-12-22. Review status: criteria provided, single submitter. Criteria: Ambry Variant Classification Scheme 2023. Collection method: clinical testing. Allele origin: germline.

Labcorp Genetics (formerly Invitae), Labcorp
Classification: Uncertain significance for Alstrom syndrome. Last evaluated: 2022-08-03. Review status: criteria provided, single submitter. Criteria: Invitae Variant Classification Sherloc (09022015). Collection method: clinical testing. Allele origin: germline.
Comment: This sequence change replaces glycine, which is neutral and non-polar, with serine, which is neutral and polar, at codon 4014 of the ALMS1 protein (p.Gly4014Ser). This variant is present in population databases (rs541576664, gnomAD 0.01%). This variant has not been reported in the literature in individuals affected with ALMS1-related conditions. ClinVar contains an entry for this variant (Variation ID: 449959). In summary, the available evidence is currently insufficient to determine the role of this variant in disease. Therefore, it has been classified as a Variant of Uncertain Significance.

Fulgent Genetics
Classification: Uncertain significance for Alstrom syndrome. Last evaluated: 2021-08-08. Review status: criteria provided, single submitter. Criteria: ACMG Guidelines, 2015. Collection method: clinical testing. Allele origin: unknown.

Johns Hopkins Genomics, Johns Hopkins University
Classification: Uncertain significance for Alstrom syndrome. Last evaluated: 2021-03-22. Review status: criteria provided, single submitter. Criteria: ACMG Guidelines, 2015. Collection method: clinical testing. Allele origin: germline.
Comment: ALMS1 c.12034G>A (rs541576664) is rare (<0.1%) in a large population dataset (gnomAD: 8/250092 total alleles; 0.0032%; no homozygotes). This ALMS1 variant has not been reported in the literature to our knowledge, but there is an entry for this variant in ClinVar (Variation ID: 449959). Three bioinformatic tools queried predict that this substitution would be tolerated and the glycine residue at this position is not evolutionarily conserved across the species assessed. Due to insufficient evidence, we consider the clinical significance of c.12034G>A to be uncertain at this time.

GeneDx
Classification: Uncertain significance. Last evaluated: 2017-05-05. Review status: criteria provided, single submitter. Criteria: GeneDx Variant Classification (06012015). Collection method: clinical testing. Allele origin: germline. Affected: yes.
Comment: The G4014S variant of uncertain significance in the ALMS1 gene has not been published as pathogenic or been reported as benign to our knowledge. The G4014S variant is a non-conservative amino acid substitution, which is likely to impact secondary protein structure as these residues differ in polarity, charge, size and/or other properties. Nevertheless, this substitution occurs at a position that is not conserved across species, and serine (S) is the wild-type amino acid at this location in several species. In silico analysis predicts this variant likely does not alter the protein structure/function. Furthermore, this variant is observed in 5/66,692 alleles from individuals of European (Non-Finnish) ancestry in the Exome Aggregation Consortium (ExAC) database (Lek et al., 2016).

Natera, Inc.
Classification: Uncertain significance for Alstrom syndrome. Last evaluated: 2021-09-13. Review status: no assertion criteria provided. Collection method: clinical testing. Allele origin: germline. Not counted in ClinVar's aggregate classification.

Literature cited by the submitters: PubMed 34547244 (cited by Women's Health and Genetics/Laboratory Corporation of America, LabCorp); PubMed 30532227 (cited by Ambry Genetics).

NM_001378454.1(ALMS1):c.12037G>A (p.Gly4013Ser)

Genes: ALMS1 (ALMS1 centrosome and basal body associated protein; plus strand), LOC126806252 (BRD4-independent group 4 enhancer GRCh37_chr2:73828496-73829695; plus strand). Cytogenetic location: 2p13.1.
Variant type: single nucleotide variant.
Coding change: c.12037G>A on transcript NM_001378454.1 (MANE Select); coding-DNA position 12037, G replaced by A.
Protein change: p.Gly4013Ser; replaces glycine 4013 with serine.
Molecular consequence: missense variant.
Genome position (GRCh38, 1-based): chr2:73,601,359, G>A. VCF-style: chr2-73601359-G-A. GRCh37 (hg19) VCF-style: chr2-73828486-G-A.
Other names: c.12040G>A, p.Gly4014Ser (NM_015120.4); short protein forms G4014S, G4013S.
Identifiers: ClinVar variation 449959 (VCV000449959.15), dbSNP rs541576664, ClinGen allele CA1715407.